The following is an entry in ClinVar:

NM_152424.4(AMER1):c.2683T>A (p.Ser895Thr)

Gene: AMER1 (APC membrane recruitment protein 1; minus strand). Cytogenetic location: Xq11.2.
Variant type: single nucleotide variant.
Coding change: c.2683T>A on transcript NM_152424.4 (MANE Select); coding-DNA position 2683, T replaced by A.
Protein change: p.Ser895Thr; replaces serine 895 with threonine.
Molecular consequence: missense variant.
Genome position (GRCh38, 1-based): chrX:64,190,604, A>T on the plus strand (T>A on the coding strand, the complement: AMER1 is on the minus strand). VCF-style: chrX-64190604-A-T. GRCh37 (hg19) VCF-style: chrX-63410484-A-T.
Other names: short protein forms S895T.
Identifiers: ClinVar variation 2576896 (VCV002576896.2), dbSNP rs2147085521, ClinGen allele CA413302424.

ClinVar aggregate classification (germline): Uncertain significance (1 of 4 stars; one submission).

Submission:

GeneDx
Classification: Uncertain significance. Last evaluated: 2025-09-26. Review status: criteria provided, single submitter. Criteria: GeneDx Variant Classification Process June 2021. Collection method: clinical testing. Allele origin: germline.
Comment: Not observed at significant frequency in large population cohorts (gnomAD); In silico analysis suggests that this missense variant does not alter protein structure/function; Has not been previously published as pathogenic or benign to our knowledge